The following is an entry in ClinVar:

ClinVar aggregate classification (germline): Pathogenic (1 of 4 stars; one submission).

Conditions:
Megaconial type congenital muscular dystrophy (MDCMC). Also called: CHKB-Related Muscle Diseases; MUSCULAR DYSTROPHY, CONGENITAL, WITH MITOCHONDRIAL STRUCTURAL ABNORMALITIES; CHKB-Related Muscular Dystrophy. Identifiers: Orphanet 280671, MedGen C1865233, MONDO:0011246, OMIM 602541.

Submission:

Plataforma de Genómica Funcional - SJD, Institut De Recerca Sant Joan De Déu
Classification: Pathogenic for Megaconial type congenital muscular dystrophy. Last evaluated: 2025-07-11. Review status: criteria provided, single submitter. Criteria: ACMG Guidelines, 2015. Collection method: clinical testing. Allele origin: biparental. Inheritance: Autosomal recessive inheritance. Affected: yes.
Comment: The c.592_593delCA variant (NM_005198.5) in CHKB is a frame-shift variant predicted to causea change in the reading frame of the transcription (p.(Q198Dfs*11)). This sequence alteration creates a premature stop codon in translation and is expected to result in a missing or altered protein product (PVS1). This variant is absent from population databases (gnomAD v4.1; PM2_supporting). This variant has been identified in a homozygous state in an individual with Congenital muscular dystrophy, megaconial type (PMID: 35177962, Internal lab contributor). Functional studies performed in patient's fibroblasts conducted at the Neurogenetics and Molecular Medicine Laboratory showed aberrant protein function (PMID: 35177962; PS3_moderate). In summary, this variant meets the criteria to be classified as Pathogenic based on the ACMG/AMP criteria applied.

Literature cited by the submitters: PubMed 35177962.

NM_005198.5(CHKB):c.592_593del (p.Gln198fs)

Genes: CHKB (choline kinase beta; minus strand), CHKB-CPT1B (CHKB-CPT1B readthrough (NMD candidate); minus strand). Cytogenetic location: 22q13.33.
Variant type: Deletion.
Coding change: c.592_593del on transcript NM_005198.5 (MANE Select); coding-DNA positions 592 to 593, 2 bases deleted (CA; older notation c.592_593delCA).
Protein change: p.Gln198fs; shifts the reading frame from glutamine 198.
Molecular consequence: frameshift variant. On other transcripts: non-coding transcript variant (1).
Genome position (GRCh38, 1-based): chr22:50,580,649-50,580,650, TG deleted on the plus strand (CA on the coding strand, the reverse complement: CHKB is on the minus strand); deleting any 2 consecutive bases within chr22:50,580,649-50,580,651 gives the same sequence; the c. name uses the placement nearest the transcript's 3' end. VCF-style (leftmost placement, unchanged base first): chr22-50580648-CTG-C. GRCh37 (hg19) VCF-style: chr22-51019077-CTG-C.
Other names: c.592_593delCA (NM_005198.5); short protein forms Q198fs.
Identifiers: ClinVar variation 4073557 (VCV004073557.1).